The following is an entry in ClinVar:

ClinVar aggregate classification (germline): Uncertain significance (1 of 4 stars; one submission).

Conditions:
Familial hemophagocytic lymphohistiocytosis 3 (FHL3). Also called: UNC13D-Related Familial Hemophagocytic Lymphohistiocytosis (UNC13D-fHLH). Identifiers: Orphanet 540, MedGen C1837174, MONDO:0012146, OMIM 608898.

gnomAD v4.1: 2 of 1,606,942 alleles (0.00012%); highest among the groups gnomAD compares: Admixed American, 0.0033%; no homozygotes.

Submission:

Labcorp Genetics (formerly Invitae), Labcorp
Classification: Uncertain significance for Familial hemophagocytic lymphohistiocytosis 3. Last evaluated: 2022-07-21. Review status: criteria provided, single submitter. Criteria: Invitae Variant Classification Sherloc (09022015). Collection method: clinical testing. Allele origin: germline.
Comment: This sequence change replaces aspartic acid, which is acidic and polar, with asparagine, which is neutral and polar, at codon 1005 of the UNC13D protein (p.Asp1005Asn). This variant is not present in population databases (gnomAD no frequency). This variant has not been reported in the literature in individuals affected with UNC13D-related conditions. Algorithms developed to predict the effect of missense changes on protein structure and function are either unavailable or do not agree on the potential impact of this missense change (SIFT: "Not Available"; PolyPhen-2: "Probably Damaging"; Align-GVGD: "Not Available"). In summary, the available evidence is currently insufficient to determine the role of this variant in disease. Therefore, it has been classified as a Variant of Uncertain Significance.

NM_199242.3(UNC13D):c.3013G>A (p.Asp1005Asn)

Gene: UNC13D (unc-13 homolog D; minus strand). Cytogenetic location: 17q25.1.
Variant type: single nucleotide variant.
Coding change: c.3013G>A on transcript NM_199242.3 (MANE Select); coding-DNA position 3013, G replaced by A.
Protein change: p.Asp1005Asn; replaces aspartic acid 1005 with asparagine.
Molecular consequence: missense variant.
Genome position (GRCh38, 1-based): chr17:75,828,925, C>T on the plus strand (G>A on the coding strand, the complement: UNC13D is on the minus strand). VCF-style: chr17-75828925-C-T. GRCh37 (hg19) VCF-style: chr17-73825006-C-T.
Other names: short protein forms D1005N.
Identifiers: ClinVar variation 2162944 (VCV002162944.1), dbSNP rs745623386, ClinGen allele CA401075033.